The following is an entry in ClinVar:

NM_173825.5(RABL3):c.383G>A (p.Gly128Glu)

Gene: RABL3 (RAB, member of RAS oncogene family like 3; minus strand). Cytogenetic location: 3q13.33.
Variant type: single nucleotide variant.
Coding change: c.383G>A on transcript NM_173825.5 (MANE Select); coding-DNA position 383, G replaced by A.
Protein change: p.Gly128Glu; replaces glycine 128 with glutamic acid.
Molecular consequence: missense variant. On other transcripts: non-coding transcript variant (1).
Genome position (GRCh38, 1-based): chr3:120,706,000, C>T on the plus strand (G>A on the coding strand, the complement: RABL3 is on the minus strand). VCF-style: chr3-120706000-C-T. GRCh37 (hg19) VCF-style: chr3-120424847-C-T.
Other names: c.383G>A, p.Gly128Glu (NM_001363964.1, NM_001363965.1); short protein forms G128E.
Identifiers: ClinVar variation 4814097 (VCV004814097.1).

ClinVar aggregate classification (germline): Uncertain significance (1 of 4 stars; one submission).

Conditions:
Familial adenomatous polyposis 2. Also called: COLORECTAL ADENOMATOUS POLYPOSIS, AUTOSOMAL RECESSIVE; ADENOMAS, MULTIPLE COLORECTAL, AUTOSOMAL RECESSIVE; FAP type 2; MUTYH Polyposis; MYH-associated polyposis; Adenomas, multiple colorectal. Identifiers: Orphanet 220460, Orphanet 247798, MedGen C3272841, MONDO:0012041, OMIM 608456.

gnomAD v4.1: 6 of 1,579,664 alleles (0.00038%); highest among the groups gnomAD compares: African/African-American, 0.0013%; no homozygotes.

Submission:

OLLIN Analises Genomicas, OLLIN
Classification: Uncertain significance for Familial adenomatous polyposis 2. Last evaluated: 2026-02-13. Review status: criteria provided, single submitter. Criteria: ACMG Guidelines 2015 PMID 25741868. Collection method: clinical testing. Allele origin: germline. Observed: 1 variant allele.
Comment: PM2_P